The following is an entry in ClinVar:

ClinVar aggregate classification (germline): VUS-mid (1 of 4 stars; one submission).

Conditions:
Familial hypokalemia-hypomagnesemia (GTLMNS). Also called: POTASSIUM AND MAGNESIUM DEPLETION; HYPOMAGNESEMIA-HYPOKALEMIA, PRIMARY RENOTUBULAR, WITH HYPOCALCIURIA; gitelman syndrome. Identifiers: Orphanet 358, MedGen C0268450, MONDO:0009904, OMIM 263800.

gnomAD v4.1: 1 of 1,611,362 alleles (0.000062%); highest among the groups gnomAD compares: Non-Finnish European, 0.000085%; no homozygotes.

Submission:

Clinical Genetics Unit, University of Padua
Classification: VUS-mid for Familial hypokalemia-hypomagnesemia. Last evaluated: 2025-01-01. Review status: criteria provided, single submitter. Criteria: ACMG Guidelines, 2015. Collection method: clinical testing. Allele origin: germline. Affected: yes. Observed: 1 variant allele.
Comment: This variant is present in gnomAD with a European MAF of 1:1,178,000 (PM2); ortholog alignment (M. musculus, B. taurus, O. anatinus, G. gallus, D. rerio, S. purpuratus, and C. elegans) and interpretation software (Franklin) predicted a deleterious effect (PP3).

NM_001126108.2(SLC12A3):c.964+3A>T

Gene: SLC12A3 (solute carrier family 12 member 3; plus strand). Cytogenetic location: 16q13.
Variant type: single nucleotide variant.
Coding change: c.964+3A>T on transcript NM_001126108.2 (MANE Select); 3 bases into the intron after coding-DNA position 964, A replaced by T.
Molecular consequence: intron variant.
Genome position (GRCh38, 1-based): chr16:56,872,465, A>T. VCF-style: chr16-56872465-A-T. GRCh37 (hg19) VCF-style: chr16-56906377-A-T.
Other names: NP_000330.3:p.?; c.964+3A>T (NM_000339.3); c.961+3A>T (NM_001126107.2, NM_001410896.1).
Identifiers: ClinVar variation 4813301 (VCV004813301.1).